The following is an entry in ClinVar:

ClinVar aggregate classification (germline): Uncertain significance (1 of 4 stars; one submission).

Submission:

GeneDx
Classification: Uncertain significance. Last evaluated: 2022-11-17. Review status: criteria provided, single submitter. Criteria: GeneDx Variant Classification Process June 2021. Collection method: clinical testing. Allele origin: germline. Affected: yes.
Comment: Not observed at significant frequency in large population cohorts (gnomAD); In silico analysis supports that this missense variant does not alter protein structure/function; Has not been previously published as pathogenic or benign to our knowledge

NM_133433.4(NIPBL):c.2214A>T (p.Gln738His)

Gene: NIPBL (NIPBL cohesin loading factor; plus strand). Cytogenetic location: 5p13.2.
Variant type: single nucleotide variant.
Coding change: c.2214A>T on transcript NM_133433.4 (MANE Select); coding-DNA position 2214, A replaced by T.
Protein change: p.Gln738His; replaces glutamine 738 with histidine.
Molecular consequence: missense variant.
Genome position (GRCh38, 1-based): chr5:36,985,394, A>T. VCF-style: chr5-36985394-A-T. GRCh37 (hg19) VCF-style: chr5-36985496-A-T.
Other names: c.2214A>T, p.Gln738His (NM_015384.5); short protein forms Q738H.
Identifiers: ClinVar variation 2502713 (VCV002502713.1), dbSNP rs2477928336, ClinGen allele CA359499621.
Genomic context (GRCh38, chr5:36,985,394, plus strand): 5'-TGATGGGCATCCTGAAACCCCAAAACAGAAGGGTGATGGAAGGCCTGAAACTCCAAAGCA[A>T]AAAGGTGAGAGCCGCCCTGAAACTCCAAAGCAAAAAAATGAAGGGCGACCTGAAACACCA-3'
Protein context (NP_597677.2, residues 728-748): KGDGRPETPK[Gln738His]KGESRPETPK